The following is an entry in ClinVar:

ClinVar aggregate classification (germline): Likely pathogenic (1 of 4 stars; one submission).

Conditions:
SLC2A10-related disorder. Also called: SLC2A10-related condition.

Allele frequency attached by ClinVar (database versions not stated): gnomAD exomes below 0.00001; TOPMed below 0.00001; gnomAD 0.00001.
gnomAD v4.1: 2 of 1,613,964 alleles (0.00012%); highest among the groups gnomAD compares: Non-Finnish European, 0.00017%; no homozygotes.

Submission:

PreventionGenetics, part of Exact Sciences
Classification: Likely pathogenic for SLC2A10-related condition. Last evaluated: 2023-01-13. Review status: criteria provided, single submitter. Criteria: ACMG Guidelines, 2015. Collection method: clinical testing. Allele origin: germline.
Comment: The SLC2A10 c.300G>A variant is predicted to result in premature protein termination (p.Trp100*). To our knowledge, this variant has not been reported in the literature. This variant is reported in 0.00088% of alleles in individuals of European (Non-Finnish) descent in gnomAD. Nonsense variants in SLC2A10 are expected to be pathogenic. This variant is interpreted as likely pathogenic.

NM_030777.4(SLC2A10):c.300G>A (p.Trp100Ter)

Gene: SLC2A10 (solute carrier family 2 member 10; plus strand). Cytogenetic location: 20q13.12.
Variant type: single nucleotide variant.
Coding change: c.300G>A on transcript NM_030777.4 (MANE Select); coding-DNA position 300, G replaced by A.
Protein change: p.Trp100Ter; replaces tryptophan 100 with a stop codon.
Molecular consequence: nonsense.
Genome position (GRCh38, 1-based): chr20:46,725,336, G>A. VCF-style: chr20-46725336-G-A. GRCh37 (hg19) VCF-style: chr20-45353975-G-A.
Other names: short protein forms W100*.
Identifiers: ClinVar variation 2629652 (VCV002629652.2), dbSNP rs886056725, ClinGen allele CA409266743.